The following is an entry in ClinVar:

NM_004370.6(COL12A1):c.1559G>C (p.Gly520Ala)

Gene: COL12A1 (collagen type XII alpha 1 chain; minus strand). Cytogenetic location: 6q13.
Variant type: single nucleotide variant.
Coding change: c.1559G>C on transcript NM_004370.6 (MANE Select); coding-DNA position 1559, G replaced by C.
Protein change: p.Gly520Ala; replaces glycine 520 with alanine.
Molecular consequence: missense variant. On other transcripts: intron variant (1).
Genome position (GRCh38, 1-based): chr6:75,183,382, C>G on the plus strand (G>C on the coding strand, the complement: COL12A1 is on the minus strand). VCF-style: chr6-75183382-C-G. GRCh37 (hg19) VCF-style: chr6-75893098-C-G.
Other names: c.73+19338G>C (NM_080645.3); short protein forms G520A.
Identifiers: ClinVar variation 2129877 (VCV002129877.4), dbSNP rs2533566889, ClinGen allele CA364769660.

ClinVar aggregate classification (germline): Uncertain significance (1 of 4 stars; one submission).

Conditions:
Ullrich congenital muscular dystrophy 2 (UCMD2). Identifiers: Orphanet 75840, MedGen C4225314, MONDO:0014654, OMIM 616470.
Bethlem myopathy 2 (BTHLM2). Identifiers: Orphanet 536516, Orphanet 610, MedGen C4225313, MONDO:0034022, OMIM 616471.

Submission:

Labcorp Genetics (formerly Invitae), Labcorp
Classification: Uncertain significance for Bethlem myopathy 2; Ullrich congenital muscular dystrophy 2. Last evaluated: 2022-04-24. Review status: criteria provided, single submitter. Criteria: Invitae Variant Classification Sherloc (09022015). Collection method: clinical testing. Allele origin: germline.
Comment: This sequence change replaces glycine, which is neutral and non-polar, with alanine, which is neutral and non-polar, at codon 520 of the COL12A1 protein (p.Gly520Ala). This variant is not present in population databases (gnomAD no frequency). This variant has not been reported in the literature in individuals affected with COL12A1-related conditions. Algorithms developed to predict the effect of missense changes on protein structure and function are either unavailable or do not agree on the potential impact of this missense change (SIFT: "Deleterious"; PolyPhen-2: "Probably Damaging"; Align-GVGD: "Class C0"). In summary, the available evidence is currently insufficient to determine the role of this variant in disease. Therefore, it has been classified as a Variant of Uncertain Significance.